The following is an entry in ClinVar:

ClinVar aggregate classification (germline): Uncertain significance (1 of 4 stars; one submission).

Conditions:
Epidermodysplasia verruciformis. Identifiers: Orphanet 302, MedGen C0014522, MONDO:0009176.

Allele frequency attached by ClinVar (database versions not stated): ExAC 0.00002; gnomAD exomes 0.00002; gnomAD 0.00003; TOPMed 0.00003.
gnomAD v4.1: 32 of 1,613,066 alleles (0.002%); highest among the groups gnomAD compares: African/African-American, 0.0027%; no homozygotes.

Submission:

Labcorp Genetics (formerly Invitae), Labcorp
Classification: Uncertain significance for Epidermodysplasia verruciformis. Last evaluated: 2024-07-15. Review status: criteria provided, single submitter. Criteria: Invitae Variant Classification Sherloc (09022015). Collection method: clinical testing. Allele origin: germline.
Comment: This sequence change replaces aspartic acid, which is acidic and polar, with asparagine, which is neutral and polar, at codon 10 of the TMC6 protein (p.Asp10Asn). This variant is present in population databases (rs752560268, gnomAD 0.007%). This variant has not been reported in the literature in individuals affected with TMC6-related conditions. An algorithm developed to predict the effect of missense changes on protein structure and function outputs the following: PolyPhen-2: "Benign". The asparagine amino acid residue is found in multiple mammalian species, which suggests that this missense change does not adversely affect protein function. In summary, the available evidence is currently insufficient to determine the role of this variant in disease. Therefore, it has been classified as a Variant of Uncertain Significance.

NM_001127198.5(TMC6):c.28G>A (p.Asp10Asn)

Gene: TMC6 (transmembrane channel like 6; minus strand). Cytogenetic location: 17q25.3.
Variant type: single nucleotide variant.
Coding change: c.28G>A on transcript NM_001127198.5 (MANE Select); coding-DNA position 28, G replaced by A.
Protein change: p.Asp10Asn; replaces aspartic acid 10 with asparagine.
Molecular consequence: missense variant. On other transcripts: non-coding transcript variant (4).
Genome position (GRCh38, 1-based): chr17:78,126,805, C>T on the plus strand (G>A on the coding strand, the complement: TMC6 is on the minus strand). VCF-style: chr17-78126805-C-T. GRCh37 (hg19) VCF-style: chr17-76122886-C-T.
Other names: c.28G>A, p.Asp10Asn (NM_001321185.1, NM_001374593.1, NM_001374594.1 and 4 more transcripts); short protein forms D10N.
Identifiers: ClinVar variation 2915831 (VCV002915831.2), dbSNP rs752560268, ClinGen allele CA8796297.